The following is an entry in ClinVar:

NM_133379.5(TTN):c.12550G>T (p.Gly4184Cys)

Gene: TTN (titin; minus strand). Cytogenetic location: 2q31.2.
Variant type: single nucleotide variant.
Coding change: c.12550G>T on transcript NM_133379.5; coding-DNA position 12550, G replaced by T.
Protein change: p.Gly4184Cys; replaces glycine 4184 with cysteine.
Molecular consequence: missense variant. On other transcripts: intron variant (6).
Genome position (GRCh38, 1-based): chr2:178,749,850, C>A on the plus strand (G>T on the coding strand, the complement: TTN is on the minus strand). VCF-style: chr2-178749850-C-A. GRCh37 (hg19) VCF-style: chr2-179614577-C-A.
Other names: c.10222+3274G>T (NM_003319.4); c.10798+3274G>T (NM_133437.4); c.10597+3274G>T (NM_133432.3); c.10360+3274G>T (NM_133378.4, NM_001256850.1); c.11311+3274G>T (NM_001267550.2); short protein forms G4184C.
Identifiers: ClinVar variation 166271 (VCV000166271.12), dbSNP rs145460295, ClinGen allele CA179130.

ClinVar aggregate classification (germline): Conflicting classifications of pathogenicity. Review status: criteria provided, conflicting classifications (1 of 4 stars). 3 submissions from 3 submitters: Uncertain significance (2); Likely benign (1). Last evaluated 2019-04-02.

Allele frequency attached by ClinVar (database versions not stated): ESP Exome Variant Server 0.00015; gnomAD 0.00022; 1000 Genomes Project 30x 0.00031; TOPMed 0.00035.
gnomAD v4.1: 64 of 1,613,124 alleles (0.004%); highest among the groups gnomAD compares: African/African-American, 0.084%; no homozygotes.

Submissions (3):

GeneDx
Classification: Likely benign. Last evaluated: 2019-04-02. Review status: criteria provided, single submitter. Criteria: GeneDx Variant Classification Process June 2021. Collection method: clinical testing. Allele origin: germline. Affected: yes.

Eurofins Ntd Llc (ga)
Classification: Uncertain significance. Last evaluated: 2017-10-16. Review status: criteria provided, single submitter. Criteria: EGL Classification Definitions 2015. Collection method: clinical testing. Allele origin: germline. Observed: 1 variant allele, 1 heterozygote.

Laboratory for Molecular Medicine, Mass General Brigham Personalized Medicine
Classification: Uncertain significance. Last evaluated: 2013-11-14. Review status: criteria provided, single submitter. Criteria: LMM Criteria. Collection method: clinical testing. Allele origin: germline. Observed: 1 variant allele.
Comment: The Gly4184Cys variant in TTN has not been previously reported in individuals wi th cardiomyopathy, but has been identified in 2/4404 African American chromosome s by the NHLBI Exome Sequencing Project (dbSN P rs145460295). Computational analyses (biochemical amino acid properties, conse rvation, and PolyPhen2.) do not provide strong support for or against an impact to the protein. Additional information is needed to fully assess the clinical si gnificance of the Gly4184Cys variant.